The following is an entry in ClinVar:

ClinVar aggregate classification (germline): Pathogenic. Review status: criteria provided, single submitter (1 of 4 stars). 2 submissions from 2 submitters: Pathogenic (1). 1 of the submissions does not count toward it. Last evaluated 2026-07-01.

Conditions:
OPTN-related disorder. Also called: OPTN-related condition; OPTN-related disorders.

Submissions (2):

CeGaT Center for Human Genetics Tuebingen
Classification: Pathogenic. Last evaluated: 2026-07-01. Review status: criteria provided, single submitter. Criteria: CeGaT Center For Human Genetics Tuebingen Variant Classification Criteria Version 2. Collection method: clinical testing. Allele origin: germline. Affected: yes. Observed: 1 variant allele.
Comment: OPTN: PVS1, PM2

PreventionGenetics, part of Exact Sciences
Classification: Likely pathogenic for OPTN-related condition. Last evaluated: 2023-12-01. Review status: no assertion criteria provided. Collection method: clinical testing. Allele origin: germline. Not counted in ClinVar's aggregate classification.
Comment: The OPTN c.371_376delinsCTTCC variant is predicted to result in a frameshift and premature protein termination (p.Asp124Alafs*25). To our knowledge, this variant has not been reported in the literature or in a large population database, indicating this variant is rare. Frameshift variants in OPTN are expected to be pathogenic and there are several protein-truncating variants reported upstream and downstream of this variant (HGMD, ClinVar). This variant is interpreted as likely pathogenic.

NM_001008212.2(OPTN):c.371_376delinsCTTCC (p.Asp124fs)

Gene: OPTN (optineurin; plus strand). Cytogenetic location: 10p13.
Variant type: Indel.
Coding change: c.371_376delinsCTTCC on transcript NM_001008212.2 (MANE Select); coding-DNA positions 371 to 376, ACCCCA replaced by CTTCC.
Protein change: p.Asp124fs; shifts the reading frame from aspartic acid 124.
Molecular consequence: frameshift variant.
Genome position (GRCh38, 1-based): chr10:13,112,454-13,112,459, ACCCCA replaced by CTTCC. VCF-style: chr10-13112454-ACCCCA-CTTCC. GRCh37 (hg19) VCF-style: chr10-13154454-ACCCCA-CTTCC.
Other names: c.371_376delinsCTTCC, p.Asp124fs (NM_001008211.1, NM_001008213.1, NM_021980.4); short protein forms D124fs.
Identifiers: ClinVar variation 3348994 (VCV003348994.3).